The following is an entry in ClinVar:

ClinVar aggregate classification (germline): Conflicting classifications of pathogenicity. Review status: criteria provided, conflicting classifications (1 of 4 stars). 3 submissions from 3 submitters: Uncertain significance (1); Likely benign (1). 1 of the submissions does not count toward it. Last evaluated 2025-06-12.

Conditions:
Charlevoix-Saguenay spastic ataxia (SACS). Also called: Spastic ataxia of Charlevoix-Saguenay; SPASTIC ATAXIA 6, AUTOSOMAL RECESSIVE; AUTOSOMAL RECESSIVE SPASTIC ATAXIA OF CHARLEVOIX-SAGUENAY. Identifiers: Orphanet 98, MedGen C1849140, MONDO:0010041, OMIM 270550.
Inborn genetic diseases. Identifiers: MedGen C0950123, MeSH D030342.

Allele frequency attached by ClinVar (database versions not stated): ExAC 0.00001; gnomAD 0.00001; gnomAD exomes below 0.00001 and 0.00001; TOPMed 0.00001.
gnomAD v4.1: 9 of 1,613,364 alleles (0.00056%); highest among the groups gnomAD compares: Non-Finnish European, 0.00076%; no homozygotes.

Submissions (3):

Ambry Genetics
Classification: Likely benign for Inborn genetic diseases. Last evaluated: 2025-06-12. Review status: criteria provided, single submitter. Criteria: Ambry Variant Classification Scheme 2023. Collection method: clinical testing. Allele origin: germline.

Athena Diagnostics
Classification: Uncertain significance. Last evaluated: 2023-01-27. Review status: criteria provided, single submitter. Criteria: Athena Diagnostics Criteria. Collection method: clinical testing. Allele origin: unknown.
Comment: Available data are insufficient to determine the clinical significance of the variant at this time. The frequency of this variant in the general population is uninformative in assessment of its pathogenicity. Computational tools predict that this variant is not damaging.

Natera, Inc.
Classification: Uncertain significance for Charlevoix-Saguenay type spastic ataxia. Last evaluated: 2021-07-06. Review status: no assertion criteria provided. Collection method: clinical testing. Allele origin: germline. Not counted in ClinVar's aggregate classification.

NM_014363.6(SACS):c.6993A>T (p.Glu2331Asp)

Gene: SACS (sacsin molecular chaperone; minus strand). Cytogenetic location: 13q12.12.
Variant type: single nucleotide variant.
Coding change: c.6993A>T on transcript NM_014363.6 (MANE Select); coding-DNA position 6993, A replaced by T.
Protein change: p.Glu2331Asp; replaces glutamic acid 2331 with aspartic acid.
Molecular consequence: missense variant.
Genome position (GRCh38, 1-based): chr13:23,336,883, T>A on the plus strand (A>T on the coding strand, the complement: SACS is on the minus strand). VCF-style: chr13-23336883-T-A. GRCh37 (hg19) VCF-style: chr13-23911022-T-A.
Other names: c.6552A>T, p.Glu2184Asp (NM_001278055.2); short protein forms E2331D, E2184D.
Identifiers: ClinVar variation 586441 (VCV000586441.5), dbSNP rs759201960, ClinGen allele CA6910986.